The following is an entry in ClinVar:

NM_000096.4(CP):c.944A>G (p.Asn315Ser)

Gene: CP (ceruloplasmin; minus strand). Cytogenetic location: 3q25.1.
Variant type: single nucleotide variant.
Coding change: c.944A>G on transcript NM_000096.4 (MANE Select); coding-DNA position 944, A replaced by G.
Protein change: p.Asn315Ser; replaces asparagine 315 with serine.
Molecular consequence: missense variant. On other transcripts: non-coding transcript variant (1).
Genome position (GRCh38, 1-based): chr3:149,207,455, T>C on the plus strand (A>G on the coding strand, the complement: CP is on the minus strand). VCF-style: chr3-149207455-T-C. GRCh37 (hg19) VCF-style: chr3-148925242-T-C.
Other names: p.Asn315Ser; short protein forms N315S.
Identifiers: ClinVar variation 343778 (VCV000343778.14), dbSNP rs370682704, ClinGen allele CA2661191.

ClinVar aggregate classification (germline): Conflicting classifications of pathogenicity. Review status: criteria provided, conflicting classifications (1 of 4 stars). 5 submissions from 5 submitters: Uncertain significance (4); Likely benign (1). Last evaluated 2025-10-30.

Conditions:
Deficiency of ferroxidase (ACEP). Also called: Aceruloplasminemia; Ceruloplasmin deficiency; Familial apoceruloplasmin deficiency; Hereditary ceruloplasmin deficiency; Deficiency of ceruloplasmin; NEURODEGENERATION WITH BRAIN IRON ACCUMULATION 10. Identifiers: Orphanet 48818, MedGen C0878682, MONDO:0011426, OMIM 604290, HP:0025498.

Allele frequency attached by ClinVar (database versions not stated): gnomAD exomes 0.00007 and 0.00020; ESP Exome Variant Server 0.00008; gnomAD 0.00017; TOPMed 0.00022; ExAC 0.00004.
gnomAD v4.1: 327 of 1,613,812 alleles (0.02%); highest among the groups gnomAD compares: Middle Eastern, 0.97%; 1 homozygote.

Submissions (5):

Mayo Clinic Laboratories, Mayo Clinic
Classification: Uncertain significance. Last evaluated: 2025-10-30. Review status: criteria provided, single submitter. Criteria: ACMG Guidelines, 2015. Collection method: clinical testing. Allele origin: germline. Observed: 1 variant allele.

Blueprint Genetics
Classification: Uncertain significance. Last evaluated: 2024-09-25. Review status: criteria provided, single submitter. Criteria: ACMG Guidelines, 2015. Collection method: clinical testing. Allele origin: germline.

Labcorp Genetics (formerly Invitae), Labcorp
Classification: Uncertain significance for Deficiency of ferroxidase. Last evaluated: 2023-12-11. Review status: criteria provided, single submitter. Criteria: Invitae Variant Classification Sherloc (09022015). Collection method: clinical testing. Allele origin: germline.
Comment: This sequence change replaces asparagine, which is neutral and polar, with serine, which is neutral and polar, at codon 315 of the CP protein (p.Asn315Ser). This variant is present in population databases (rs370682704, gnomAD 0.01%). This variant has not been reported in the literature in individuals affected with CP-related conditions. ClinVar contains an entry for this variant (Variation ID: 343778). Advanced modeling of protein sequence and biophysical properties (such as structural, functional, and spatial information, amino acid conservation, physicochemical variation, residue mobility, and thermodynamic stability) performed at Invitae indicates that this missense variant is not expected to disrupt CP protein function with a negative predictive value of 80%. In summary, the available evidence is currently insufficient to determine the role of this variant in disease. Therefore, it has been classified as a Variant of Uncertain Significance.

Genetic Services Laboratory, University of Chicago
Classification: Likely benign. Last evaluated: 2021-11-15. Review status: criteria provided, single submitter. Criteria: ACMG Guidelines, 2015. Collection method: clinical testing. Allele origin: germline. Affected: no.

Illumina Laboratory Services, Illumina
Classification: Uncertain significance for Deficiency of ferroxidase. Last evaluated: 2018-01-13. Review status: criteria provided, single submitter. Criteria: ICSL Variant Classification Criteria 13 December 2019. Collection method: clinical testing. Allele origin: germline.